The following is an entry in ClinVar:

NM_006060.6(IKZF1):c.810C>T (p.Asn270=)

Gene: IKZF1 (IKAROS family zinc finger 1; plus strand). Cytogenetic location: 7p12.2.
Variant type: single nucleotide variant.
Coding change: c.810C>T on transcript NM_006060.6 (MANE Select); coding-DNA position 810, C replaced by T.
Protein change: p.Asn270=; no amino-acid change (asparagine 270 retained).
Molecular consequence: synonymous variant. On other transcripts: intron variant (3).
Genome position (GRCh38, 1-based): chr7:50,391,823, C>T. VCF-style: chr7-50391823-C-T. GRCh37 (hg19) VCF-style: chr7-50459521-C-T.
Other names: c.684C>T, p.Asn228= (NM_001220765.3, NM_001291837.2); c.549C>T, p.Asn183= (NM_001220767.2, NM_001291838.2); c.423C>T, p.Asn141= (NM_001220770.2, NM_001291839.2); c.381C>T, p.Asn127= (NM_001291841.1, NM_001291842.1); c.255C>T, p.Asn85= (NM_001291843.1, NM_001291844.1); c.590-8095C>T (NM_001220768.2); c.422-8095C>T (NM_001220771.2); c.161-8095C>T (NM_001291840.1).
Identifiers: ClinVar variation 1336446 (VCV001336446.33), dbSNP rs370585837, ClinGen allele CA4261396.

ClinVar aggregate classification (germline): Benign/Likely benign. Review status: criteria provided, multiple submitters, no conflicts (2 of 4 stars). 4 submissions from 4 submitters: Benign (1); Likely benign (3). Last evaluated 2025-11-24.

Allele frequency attached by ClinVar (database versions not stated): ExAC 0.00003; gnomAD exomes 0.00004 and 0.00005; gnomAD 0.00006 and 0.00007; ESP Exome Variant Server 0.00008; TOPMed 0.00008; 1000 Genomes Project 30x 0.00016.
gnomAD v4.1: 66 of 1,613,782 alleles (0.0041%); highest among the groups gnomAD compares: East Asian, 0.0067%; no homozygotes.

Submissions (4):

Labcorp Genetics (formerly Invitae), Labcorp
Classification: Benign. Last evaluated: 2025-11-24. Review status: criteria provided, single submitter. Criteria: Invitae Variant Classification Sherloc (09022015). Collection method: clinical testing. Allele origin: germline.

CeGaT Center for Human Genetics Tuebingen
Classification: Likely benign. Last evaluated: 2024-09-01. Review status: criteria provided, single submitter. Criteria: CeGaT Center For Human Genetics Tuebingen Variant Classification Criteria Version 2. Collection method: clinical testing. Allele origin: germline. Affected: yes. Observed: 2 variant alleles.
Comment: IKZF1: BP4, BS2

Blueprint Genetics
Classification: Likely benign. Last evaluated: 2023-10-24. Review status: criteria provided, single submitter. Criteria: ACMG Guidelines, 2015. Collection method: clinical testing. Allele origin: germline.

Genetic Services Laboratory, University of Chicago
Classification: Likely benign. Last evaluated: 2021-10-11. Review status: criteria provided, single submitter. Criteria: ACMG Guidelines, 2015. Collection method: clinical testing. Allele origin: germline. Affected: no.